The following is an entry in ClinVar:

ClinVar aggregate classification (germline): Pathogenic (1 of 4 stars; one submission).

Submission:

Labcorp Genetics (formerly Invitae), Labcorp
Classification: Pathogenic. Last evaluated: 2022-07-12. Review status: criteria provided, single submitter. Criteria: Invitae Variant Classification Sherloc (09022015). Collection method: clinical testing. Allele origin: germline.
Comment: This sequence change creates a premature translational stop signal (p.Trp632*) in the TRPM1 gene. It is expected to result in an absent or disrupted protein product. Loss-of-function variants in TRPM1 are known to be pathogenic (PMID: 19896113, 19966281, 20300565). This variant is not present in population databases (gnomAD no frequency). This variant has not been reported in the literature in individuals affected with TRPM1-related conditions. ClinVar contains an entry for this variant (Variation ID: 1372145). For these reasons, this variant has been classified as Pathogenic.

Literature cited by the submitters: PubMed 19896113; PubMed 19966281; PubMed 20300565.

NM_001252024.2(TRPM1):c.1962G>A (p.Trp654Ter)

Gene: TRPM1 (transient receptor potential cation channel subfamily M member 1; minus strand). Cytogenetic location: 15q13.3.
Variant type: single nucleotide variant.
Coding change: c.1962G>A on transcript NM_001252024.2 (MANE Select); coding-DNA position 1962, G replaced by A.
Protein change: p.Trp654Ter; replaces tryptophan 654 with a stop codon.
Molecular consequence: nonsense.
Genome position (GRCh38, 1-based): chr15:31,042,076, C>T on the plus strand (G>A on the coding strand, the complement: TRPM1 is on the minus strand). VCF-style: chr15-31042076-C-T. GRCh37 (hg19) VCF-style: chr15-31334279-C-T.
Other names: c.2013G>A, p.Trp671Ter (NM_001252020.2); c.1896G>A, p.Trp632Ter (NM_002420.6); short protein forms W671*, W632*, W654*.
Identifiers: ClinVar variation 1372145 (VCV001372145.6), dbSNP rs2140930183, ClinGen allele CA391511741.